The following is an entry in ClinVar:

NM_000535.7(PMS2):c.2136G>C (p.Leu712=)

Gene: PMS2 (PMS1 homolog 2, mismatch repair system component; minus strand). Cytogenetic location: 7p22.1.
Variant type: single nucleotide variant.
Coding change: c.2136G>C on transcript NM_000535.7 (MANE Select); coding-DNA position 2136, G replaced by C.
Protein change: p.Leu712=; no amino-acid change (leucine 712 retained).
Molecular consequence: synonymous variant. On other transcripts: non-coding transcript variant (1).
Genome position (GRCh38, 1-based): chr7:5,982,862, C>G on the plus strand (G>C on the coding strand, the complement: PMS2 is on the minus strand). VCF-style: chr7-5982862-C-G. GRCh37 (hg19) VCF-style: chr7-6022493-C-G.
Other names: c.1731G>C, p.Leu577= (NM_001322003.2, NM_001322004.2, NM_001322005.2 and 1 more transcripts); c.1980G>C, p.Leu660= (NM_001322006.2); c.1818G>C, p.Leu606= (NM_001322007.2, NM_001322008.2); c.1575G>C, p.Leu525= (NM_001322010.2); c.1203G>C, p.Leu401= (NM_001322011.2, NM_001322012.2); c.1563G>C, p.Leu521= (NM_001322013.2); c.2136G>C, p.Leu712= (NM_001322014.2); c.1827G>C, p.Leu609= (NM_001322015.2).
Identifiers: ClinVar variation 486049 (VCV000486049.17), dbSNP rs1554295780, ClinGen allele CA453643050.

ClinVar aggregate classification (germline): Benign/Likely benign. Review status: criteria provided, multiple submitters, no conflicts (2 of 4 stars). 3 submissions from 3 submitters: Benign (1); Likely benign (2). Last evaluated 2025-12-22.

Conditions:
Hereditary cancer-predisposing syndrome. Also called: Tumor predisposition; Hereditary Cancer Syndrome; Hereditary neoplastic syndrome; Neoplastic Syndromes, Hereditary. Identifiers: Orphanet 140162, MedGen C0027672, MeSH D009386, MONDO:0015356.
Hereditary nonpolyposis colorectal neoplasms. Identifiers: MedGen C0009405, MeSH D003123.
Lynch syndrome 4 (LYNCH4). Also called: Colorectal cancer, hereditary nonpolyposis, type 4; Hereditary non-polyposis colorectal cancer, type 4. Identifiers: Orphanet 144, MedGen C1838333, MONDO:0013699, OMIM 614337. Disease mechanism: loss of function.

Submissions (3):

Labcorp Genetics (formerly Invitae), Labcorp
Classification: Likely benign for Hereditary nonpolyposis colorectal neoplasms. Last evaluated: 2025-12-22. Review status: criteria provided, single submitter. Criteria: Invitae Variant Classification Sherloc (09022015). Collection method: clinical testing. Allele origin: germline.

Myriad Genetics, Inc.
Classification: Benign for Lynch syndrome 4. Last evaluated: 2025-02-03. Review status: criteria provided, single submitter. Criteria: Myriad Autosomal Dominant, Autosomal Recessive and X-Linked Classification Criteria (2023). Collection method: clinical testing. Allele origin: unknown.
Comment: This variant is considered benign. This variant is a silent/synonymous amino acid change and it is not expected to impact splicing.

Ambry Genetics
Classification: Likely benign for Hereditary cancer-predisposing syndrome. Last evaluated: 2016-06-02. Review status: criteria provided, single submitter. Criteria: Ambry Variant Classification Scheme 2023. Collection method: clinical testing. Allele origin: germline.